The following is an entry in ClinVar:

ClinVar aggregate classification (germline): Uncertain significance (1 of 4 stars; one submission).

Submission:

GeneDx
Classification: Uncertain significance. Last evaluated: 2025-02-05. Review status: criteria provided, single submitter. Criteria: GeneDx Variant Classification Process June 2021. Collection method: clinical testing. Allele origin: germline. Affected: yes.
Comment: Not observed at significant frequency in large population cohorts (gnomAD); In silico analysis indicates that this missense variant does not alter protein structure/function; Has not been previously published as pathogenic or benign to our knowledge

NM_145331.3(MAP3K7):c.11C>T (p.Ala4Val)

Gene: MAP3K7 (mitogen-activated protein kinase kinase kinase 7; minus strand). Cytogenetic location: 6q15.
Variant type: single nucleotide variant.
Coding change: c.11C>T on transcript NM_145331.3 (MANE Select); coding-DNA position 11, C replaced by T.
Protein change: p.Ala4Val; replaces alanine 4 with valine.
Molecular consequence: missense variant.
Genome position (GRCh38, 1-based): chr6:90,586,873, G>A on the plus strand (C>T on the coding strand, the complement: MAP3K7 is on the minus strand). VCF-style: chr6-90586873-G-A. GRCh37 (hg19) VCF-style: chr6-91296592-G-A.
Other names: c.11C>T, p.Ala4Val (NM_003188.4, NM_145332.3, NM_145333.3); short protein forms A4V.
Identifiers: ClinVar variation 4074610 (VCV004074610.1).